The following is an entry in ClinVar:

ClinVar aggregate classification (germline): Uncertain significance. Review status: criteria provided, multiple submitters, no conflicts (2 of 4 stars). 3 submissions from 3 submitters: Uncertain significance (3). Last evaluated 2024-09-30.

Conditions:
Hereditary cancer-predisposing syndrome. Also called: Tumor predisposition; Hereditary neoplastic syndrome; Neoplastic Syndromes, Hereditary; Hereditary Cancer Syndrome. Identifiers: Orphanet 140162, MedGen C0027672, MeSH D009386, MONDO:0015356.
Retinoblastoma (RB1). Also called: RETINOBLASTOMA, SOMATIC. Identifiers: Orphanet 790, MedGen C0035335, MeSH D012175, MONDO:0008380, OMIM 180200, HP:0009919. Disease mechanism: loss of function. Inheritance: Both sporadic and heritable forms are tested..

Allele frequency attached by ClinVar (database versions not stated): gnomAD exomes below 0.00001; ESP Exome Variant Server 0.00008.

Submissions (3):

Ambry Genetics
Classification: Uncertain significance for Hereditary cancer-predisposing syndrome. Last evaluated: 2024-09-30. Review status: criteria provided, single submitter. Criteria: Ambry Variant Classification Scheme 2023. Collection method: clinical testing. Allele origin: germline.
Comment: The p.K729R variant (also known as c.2186A>G), located in coding exon 21 of the RB1 gene, results from an A to G substitution at nucleotide position 2186. The lysine at codon 729 is replaced by arginine, an amino acid with highly similar properties. This amino acid position is highly conserved in available vertebrate species. In addition, the in silico prediction for this alteration is inconclusive. Based on the available evidence, the clinical significance of this variant remains unclear.

All of Us Research Program, National Institutes of Health
Classification: Uncertain significance for Retinoblastoma. Last evaluated: 2024-06-17. Review status: criteria provided, single submitter. Criteria: ACMG Guidelines, 2015. Collection method: clinical testing. Allele origin: germline. Inheritance: Autosomal dominant inheritance. Observed: 3 variant alleles, 3 heterozygotes.
Comment: This missense variant replaces lysine with arginine at codon 729 of the RB1 protein. Computational prediction is inconclusive regarding the impact of this variant on protein structure and function (internally defined REVEL score threshold 0.5 < inconclusive < 0.7, PMID: 27666373). To our knowledge, functional studies have not been reported for this variant. This variant has not been reported in individuals affected with RB1-related disorders in the literature. This variant has been identified in 1/250996 chromosomes in the general population by the Genome Aggregation Database (gnomAD). The available evidence is insufficient to determine the role of this variant in disease conclusively. Therefore, this variant is classified as a Variant of Uncertain Significance.

This study involves interpretation of variants in research participants for the purpose of population health screening. Participant phenotype was not available at the time of variant classification. Additional details can be found in publication PMID: 35346344, PMCID: PMC8962531

Labcorp Genetics (formerly Invitae), Labcorp
Classification: Uncertain significance for Retinoblastoma. Last evaluated: 2023-08-11. Review status: criteria provided, single submitter. Criteria: Invitae Variant Classification Sherloc (09022015). Collection method: clinical testing. Allele origin: germline.
Comment: This sequence change replaces lysine, which is basic and polar, with arginine, which is basic and polar, at codon 729 of the RB1 protein (p.Lys729Arg). This variant is not present in population databases (gnomAD no frequency). This variant has not been reported in the literature in individuals affected with RB1-related conditions. ClinVar contains an entry for this variant (Variation ID: 860149). Advanced modeling of protein sequence and biophysical properties (such as structural, functional, and spatial information, amino acid conservation, physicochemical variation, residue mobility, and thermodynamic stability) performed at Invitae indicates that this missense variant is not expected to disrupt RB1 protein function. In summary, the available evidence is currently insufficient to determine the role of this variant in disease. Therefore, it has been classified as a Variant of Uncertain Significance.

NM_000321.3(RB1):c.2186A>G (p.Lys729Arg)

Gene: RB1 (RB transcriptional corepressor 1; plus strand). Cytogenetic location: 13q14.2.
Variant type: single nucleotide variant.
Coding change: c.2186A>G on transcript NM_000321.3 (MANE Select); coding-DNA position 2186, A replaced by G.
Protein change: p.Lys729Arg; replaces lysine 729 with arginine.
Molecular consequence: missense variant.
Genome position (GRCh38, 1-based): chr13:48,463,810, A>G. VCF-style: chr13-48463810-A-G. GRCh37 (hg19) VCF-style: chr13-49037946-A-G.
Other names: short protein forms K729R.
Identifiers: ClinVar variation 860149 (VCV000860149.10), dbSNP rs150600740, ClinGen allele CA249309787.
Genomic context (GRCh38, chr13:48,463,810, plus strand): 5'-ATGGCATATGCAAAGTGAAGAATATAGACCTTAAATTCAAAATCATTGTAACAGCATACA[A>G]GGATCTTCCTCATGCTGTTCAGGAGGTAGGTAATTTTCCATAGTAAGTTTTTTTGATAAA-3'
Protein context (NP_000312.2, residues 719-739): LKFKIIVTAY[Lys729Arg]DLPHAVQETF